The following is an entry in ClinVar:

ClinVar aggregate classification (germline): Pathogenic. Review status: criteria provided, single submitter (1 of 4 stars). 3 submissions from 3 submitters: Pathogenic (1). 2 of the submissions do not count toward it. Last evaluated 2019-06-13.

Conditions:
Neurodevelopmental disorder with impaired speech and hyperkinetic movements. Identifiers: MedGen C5193088, MONDO:0032741, OMIM 618425.

Allele frequency attached by ClinVar (database versions not stated): gnomAD exomes below 0.00001; TOPMed below 0.00001.

Submissions (3):

Institute of Human Genetics Munich, TUM University Hospital
Classification: Pathogenic for Neurodevelopmental disorder with impaired speech and hyperkinetic movements. Last evaluated: 2019-06-13. Review status: criteria provided, single submitter. Criteria: Classification criteria August 2017. Collection method: clinical testing. Allele origin: maternal. Inheritance: Autosomal recessive inheritance. Affected: yes. Observed: 2 compound heterozygotes.

OMIM
Classification: Pathogenic for NEURODEVELOPMENTAL DISORDER WITH IMPAIRED SPEECH AND HYPERKINETIC MOVEMENTS. Last evaluated: 2019-05-10. Review status: no assertion criteria provided. Collection method: literature only. Allele origin: germline. Not counted in ClinVar's aggregate classification.

Advanced Center For Translational And Genetic Medicine, Ann & Robert H. Lurie Children's Hospital Of Chicago
Classification: Likely pathogenic for Neurodevelopmental disorder with impaired speech and hyperkinetic movements. Last evaluated: 2019-03-08. Review status: no assertion criteria provided. Collection method: research. Allele origin: maternal. Inheritance: Autosomal recessive inheritance. Affected: yes. Observed: 2 variant alleles. Not counted in ClinVar's aggregate classification.
Comment: compound heterozygous

Literature cited by the submitters: PubMed 31036918 (cited by OMIM and Advanced Center For Translational And Genetic Medicine, Ann & Robert H. Lurie Children's Hospital Of Chicago).

NM_001379659.1(ZNF142):c.1417_1418del (p.Lys473fs)

Gene: ZNF142 (zinc finger protein 142; minus strand). Cytogenetic location: 2q35.
Variant type: Deletion.
Coding change: c.1417_1418del on transcript NM_001379659.1 (MANE Select); coding-DNA positions 1417 to 1418, 2 bases deleted (AA; older notation c.1417_1418delAA).
Protein change: p.Lys473fs; shifts the reading frame from lysine 473.
Molecular consequence: frameshift variant.
Genome position (GRCh38, 1-based): chr2:218,649,090-218,649,091, TT deleted on the plus strand (AA on the coding strand, the reverse complement: ZNF142 is on the minus strand). VCF-style (leftmost placement, unchanged base first): chr2-218649089-CTT-C. GRCh37 (hg19) VCF-style: chr2-219513812-CTT-C.
Other names: c.817_818delAA (NM_001105537.3); c.817_818delAA, p.Lys273Glufs (NM_001105537.5, NM_001366291.3); c.328_329delAA, p.Lys110Glufs (NM_001366287.3, NM_001366288.3, NM_001366289.3); c.1417_1418del, p.Lys473fs (NM_001366290.3, NM_001379660.1, NM_001379661.1); c.817_818del, p.Lys273fs (NM_001379662.1); short protein forms K110fs, K273fs, K473fs.
Identifiers: ClinVar variation 627543 (VCV000627543.8), dbSNP rs1447313633, ClinGen allele CA764896644.